The following is an entry in ClinVar:

ClinVar aggregate classification (germline): Likely pathogenic (1 of 4 stars; one submission).

Conditions:
Charcot-Marie-Tooth disease X-linked dominant 1. Also called: GJB1 Disorders: Charcot-Marie-Tooth Neuropathy (CMT1X) and Central Nervous System Phenotypes; Charcot-Marie-Tooth Neuropathy X Type 1; CHARCOT-MARIE-TOOTH NEUROPATHY, X-LINKED, 1; CHARCOT-MARIE-TOOTH PERONEAL MUSCULAR ATROPHY, X-LINKED; HEREDITARY MOTOR AND SENSORY NEUROPATHY, X-LINKED; HMSN, X-LINKED. Identifiers: Orphanet 101075, MedGen C0393808, MONDO:0010549, OMIM 302800.

Submission:

Clinical Biomedical Laboratory, Shriners Hospital For Children - Canada
Classification: Likely pathogenic for Charcot-Marie-Tooth disease X-linked dominant 1. Last evaluated: 2026-03-10. Review status: criteria provided, single submitter. Criteria: ACMG Guidelines, 2015. Collection method: clinical testing. Allele origin: germline. Affected: yes.
Comment: This variant affects a consensus splice site. This variant is absent from the Genome Aggregation Database, v2.1.1. This variant has been reported in the literature (PMID: 28283593; 33375465) in individuals with Charcot-Marie-Tooth disease. SpliceAI predicts a loss of a splice donor site. Based on the ACMG variant interpretation guidelines, the available evidence supports classification of this variant as likely pathogenic.

Literature cited by the submitters: PubMed 28283593; PubMed 33375465.

NM_000166.6(GJB1):c.-17+1G>T

Gene: GJB1 (gap junction protein beta 1; plus strand). Cytogenetic location: Xq13.1.
Variant type: single nucleotide variant.
Coding change: c.-17+1G>T on transcript NM_000166.6 (MANE Select); the canonical splice donor site of the intron after 17 bases upstream of the start codon, G replaced by T.
Molecular consequence: splice donor variant. On other transcripts: intron variant (2).
Genome position (GRCh38, 1-based): chrX:71,223,336, G>T. VCF-style: chrX-71223336-G-T. GRCh37 (hg19) VCF-style: chrX-70443186-G-T.
Other names: c.-16-356G>T (NM_001440770.1, NM_001097642.3).
Identifiers: ClinVar variation 4819372 (VCV004819372.1).